The following is an entry in ClinVar:

NM_005591.4(MRE11):c.818C>T (p.Ser273Phe)

Gene: MRE11 (MRE11 double strand break repair nuclease; minus strand). Cytogenetic location: 11q21.
Variant type: single nucleotide variant.
Coding change: c.818C>T on transcript NM_005591.4 (MANE Select); coding-DNA position 818, C replaced by T.
Protein change: p.Ser273Phe; replaces serine 273 with phenylalanine.
Molecular consequence: missense variant.
Genome position (GRCh38, 1-based): chr11:94,471,601, G>A on the plus strand (C>T on the coding strand, the complement: MRE11 is on the minus strand). VCF-style: chr11-94471601-G-A. GRCh37 (hg19) VCF-style: chr11-94204767-G-A.
Other names: c.818C>T, p.Ser273Phe (NM_001330347.2, NM_005590.4); short protein forms S273F.
Identifiers: ClinVar variation 479734 (VCV000479734.6), dbSNP rs143400546, ClinGen allele CA6235301.

ClinVar aggregate classification (germline): Uncertain significance (1 of 4 stars; one submission).

Conditions:
Hereditary cancer-predisposing syndrome. Also called: Hereditary Cancer Syndrome; Neoplastic Syndromes, Hereditary; Tumor predisposition; Hereditary neoplastic syndrome. Identifiers: Orphanet 140162, MedGen C0027672, MeSH D009386, MONDO:0015356.

gnomAD v4.1: 1 of 1,612,644 alleles (0.000062%); highest among the groups gnomAD compares: Admixed American, 0.0017%; no homozygotes.

Submission:

Ambry Genetics
Classification: Uncertain significance for Hereditary cancer-predisposing syndrome. Last evaluated: 2023-05-03. Review status: criteria provided, single submitter. Criteria: Ambry Variant Classification Scheme 2023. Collection method: clinical testing. Allele origin: germline.
Comment: The p.S273F variant (also known as c.818C>T), located in coding exon 7 of the MRE11A gene, results from a C to T substitution at nucleotide position 818. The serine at codon 273 is replaced by phenylalanine, an amino acid with highly dissimilar properties. This variant was not reported in population based cohorts in the following databases: Database of Single Nucleotide Polymorphisms (dbSNP), NHLBI Exome Sequencing Project (ESP), and 1000 Genomes Project. In the ESP, this variant was not observed in 6499 samples (12998 alleles) with coverage at this position. To date, this alteration has been detected with an allele frequency of approximately 0.001% (greater than 175000 alleles tested) in our clinical cohort. This amino acid position is well conserved in available vertebrate species. In addition, this alteration is predicted to be deleterious by in silico analysis. Since supporting evidence is limited at this time, the clinical significance of this alteration remains unclear.